The following is an entry in ClinVar:

ClinVar aggregate classification (germline): Uncertain significance (1 of 4 stars; one submission).

gnomAD v4.1: 12 of 1,613,832 alleles (0.00074%); highest among the groups gnomAD compares: Non-Finnish European, 0.000085%; no homozygotes.

Submission:

GeneDx
Classification: Uncertain significance. Last evaluated: 2023-12-08. Review status: criteria provided, single submitter. Criteria: GeneDx Variant Classification Process June 2021. Collection method: clinical testing. Allele origin: germline. Affected: yes.
Comment: In silico analysis supports that this missense variant has a deleterious effect on protein structure/function; Has not been previously published as pathogenic or benign to our knowledge

NM_001040716.2(PC):c.983G>A (p.Arg328His)

Gene: PC (pyruvate carboxylase; minus strand). Cytogenetic location: 11q13.2.
Variant type: single nucleotide variant.
Coding change: c.983G>A on transcript NM_001040716.2 (MANE Select); coding-DNA position 983, G replaced by A.
Protein change: p.Arg328His; replaces arginine 328 with histidine.
Molecular consequence: missense variant.
Genome position (GRCh38, 1-based): chr11:66,868,885, C>T on the plus strand (G>A on the coding strand, the complement: PC is on the minus strand). VCF-style: chr11-66868885-C-T. GRCh37 (hg19) VCF-style: chr11-66636356-C-T.
Other names: c.983G>A, p.Arg328His (NM_000920.4, NM_022172.3); short protein forms R328H.
Identifiers: ClinVar variation 3365371 (VCV003365371.1).